The following is an entry in ClinVar:

ClinVar aggregate classification (germline): Uncertain significance (1 of 4 stars; one submission).

Conditions:
Neuroblastoma, susceptibility to, 3. Also called: ALK-Related Neuroblastic Tumor Susceptibility. Identifiers: Orphanet 635, MedGen C2751681, MONDO:0013083, OMIM 613014.

Submission:

Labcorp Genetics (formerly Invitae), Labcorp
Classification: Uncertain significance for Neuroblastoma, susceptibility to, 3. Last evaluated: 2022-01-18. Review status: criteria provided, single submitter. Criteria: Invitae Variant Classification Sherloc (09022015). Collection method: clinical testing. Allele origin: germline.
Comment: This sequence change replaces phenylalanine, which is neutral and non-polar, with tyrosine, which is neutral and polar, at codon 253 of the ALK protein (p.Phe253Tyr). This variant is not present in population databases (gnomAD no frequency). This variant has not been reported in the literature in individuals affected with ALK-related conditions. Algorithms developed to predict the effect of missense changes on protein structure and function are either unavailable or do not agree on the potential impact of this missense change (SIFT: "Deleterious"; PolyPhen-2: "Benign"; Align-GVGD: "Class C0"). In summary, the available evidence is currently insufficient to determine the role of this variant in disease. Therefore, it has been classified as a Variant of Uncertain Significance.

NM_004304.5(ALK):c.758T>A (p.Phe253Tyr)

Gene: ALK (ALK receptor tyrosine kinase; minus strand). Cytogenetic location: 2p23.2.
Variant type: single nucleotide variant.
Coding change: c.758T>A on transcript NM_004304.5 (MANE Select); coding-DNA position 758, T replaced by A.
Protein change: p.Phe253Tyr; replaces phenylalanine 253 with tyrosine.
Molecular consequence: missense variant.
Genome position (GRCh38, 1-based): chr2:29,717,607, A>T on the plus strand (T>A on the coding strand, the complement: ALK is on the minus strand). VCF-style: chr2-29717607-A-T. GRCh37 (hg19) VCF-style: chr2-29940473-A-T.
Other names: short protein forms F253Y.
Identifiers: ClinVar variation 2168037 (VCV002168037.4), dbSNP rs759574066, ClinGen allele CA346587663.